The following is an entry in ClinVar:

ClinVar aggregate classification (germline): Pathogenic. Review status: criteria provided, multiple submitters, no conflicts (2 of 4 stars). 12 submissions from 12 submitters: Pathogenic (9). 3 of the submissions do not count toward it. Last evaluated 2025-11-06.

Conditions:
Beta-thalassemia HBB/LCRB. Identifiers: MedGen CN322236, MONDO:0013517, OMIM 613985.
Dominant beta-thalassemia. Also called: Beta-thalassemia, dominant inclusion body type. Identifiers: Orphanet 231226, Orphanet 848, MedGen C1858990, MONDO:0011381, OMIM 603902.
Erythrocytosis, familial, 6. Also called: ERYTHROCYTOSIS, BETA-GLOBIN TYPE; POLYCYTHEMIA, BETA-GLOBIN TYPE. Identifiers: MedGen C4693822, MONDO:0054801, OMIM 617980.
Malaria, susceptibility to. Identifiers: Orphanet 673, MedGen C1970028, MONDO:0021024, OMIM 611162.
Hereditary persistence of fetal hemoglobin. Identifiers: MedGen C0019025, MONDO:0020989, OMIM 141749.
METHEMOGLOBINEMIA, BETA TYPE. Also called: Methemoglobinemia, beta-globin type. Identifiers: MedGen C1840779, OMIM 617971.
Heinz body anemia. Also called: Heinz body hemolytic anemia. Identifiers: Orphanet 178330, MedGen C0700299, MONDO:0007705, OMIM 140700, HP:0005511.
Hb SS disease (SCD). Also called: Hemoglobin SS; Sickle cell disease; HbS disease; Hemoglobin S Disease; Sickling disorder due to hemoglobin S; Sickle cell anemia. Identifiers: Orphanet 232, Orphanet 275752, MedGen C0002895, MONDO:0011382, OMIM 603903.
Hemoglobinopathy. Also called: Hemoglobin disorder; Haemoglobinopathies. Identifiers: MedGen C0019045, MONDO:0044348.
Beta zero thalassemia. Identifiers: MedGen C0271980.
beta Thalassemia (BTHAL). Also called: Cooley's anemia; Erythroblastic anemia; Mediterranean anemia. Identifiers: Orphanet 848, MedGen C0005283, MONDO:0019402. Disease mechanism: loss of function.

Allele frequency attached by ClinVar (database versions not stated): TOPMed 0.00001; gnomAD exomes below 0.00001.

Submissions (12):

Quest Diagnostics Nichols Institute San Juan Capistrano
Classification: Pathogenic. Last evaluated: 2025-11-06. Review status: criteria provided, single submitter. Criteria: Quest Diagnostics criteria. Collection method: clinical testing. Allele origin: unknown.
Comment: The HBB c.130G>T (p.Glu44*) variant causes the premature termination of HBB protein synthesis. This variant has been reported in the published literature in heterozygous state or compound heterozygous state along with other variants in individuals with beta-zero-thalassemia or beta thalassemia major (PMID: 3403716 (1988), 29669226 (2018), 17008283 (2006), HbVar). This variant was also reported in-cis along with another HBB variant in an individual with microcytosis and a high Hb A2 level (PMID: 31690135 (2019)). Additionally, the variant was shown to have reduced mRNA levels in experimental studies (PMID: 3403716 (1988)). The frequency of this variant in the general population (Genome Aggregation Database) is consistent with pathogenicity. Based on the available information, this variant is classified as pathogenic.

Natera, Inc.
Classification: Pathogenic for Beta thalassemia. Last evaluated: 2025-08-04. Review status: criteria provided, single submitter. Criteria: Natera Variant Classification Schema (03/2026). Collection method: clinical testing. Allele origin: germline.
Comment: The c.130G>T variant in HBB is a nonsense variant predicted to introduce a stop codon at amino acid 44. This variant is expected to result in nonsense mediated decay, truncation, or a dysfunctional protein product. This variant is rare in the general population with a frequency below the threshold expected for the associated phenotype(s). This variant has been observed in one or more individuals affected with the associated recessive disease, as either homozygous or compound heterozygous with a second variant (PMID: 3403716, 17008283). Given the available evidence, this variant is classified as Pathogenic.

ARUP Laboratories, Molecular Genetics and Genomics, ARUP Laboratories
Classification: Pathogenic. Last evaluated: 2025-02-10. Review status: criteria provided, single submitter. Criteria: ARUP Molecular Germline Variant Investigation Process 2024. Collection method: clinical testing. Allele origin: germline.
Comment: The HBB c.130G>T p.Glu44Ter variant (also known as Codon 43 (G->T), rs33922842, HbVar ID: 853, ClinVar Variation ID: 15406) is reported in the medical literature in an individuals with beta thalassemia who also carried an additional pathogenic variant on the opposite chromosome (Atweh 1988, Tan 2006, Thompson 2018). This variant is only observed on one allele in the Genome Aggregation Database (v2.1.1), indicating it is not a common polymorphism. This variant induces an early termination codon and is predicted to result in a truncated protein or mRNA subject to nonsense-mediated decay. This variant is shown to have reduced mRNA levels when transfected and absent mRNA levels in cells derived from the individual who carried this variant and an additional nonsense variant on the opposite chromosome (Athweh 1988). Based on available information, this variant is considered to be pathogenic. References: Link to HbVar database: Atweh GF et al. New amber mutation in a beta-thalassemic gene with nonmeasurable levels of mutant messenger RNA in vivo. J Clin Invest. 1988 Aug;82(2):557-61. PMID: 3403716. Tan JA et al. Characterisation and confirmation of rare beta-thalassaemia mutations in the Malay, Chinese and Indian ethnic groups in Malaysia. Pathology. 2006 Oct;38(5):437-41. PMID: 17008283. Thompson AA et al. Gene Therapy in Patients with Transfusion-Dependent beta-Thalassemia. N Engl J Med. 2018 Apr 19;378(16):1479-1493. PMID: 29669226.

Fulgent Genetics
Classification: Pathogenic for Heinz body anemia; Hereditary persistence of fetal hemoglobin; Dominant beta-thalassemia; Hb SS disease; Malaria, susceptibility to; Beta-thalassemia HBB/LCRB; METHEMOGLOBINEMIA, BETA TYPE; Erythrocytosis, familial, 6. Last evaluated: 2024-02-12. Review status: criteria provided, single submitter. Criteria: ACMG Guidelines, 2015. Collection method: clinical testing. Allele origin: germline.

Labcorp Genetics (formerly Invitae), Labcorp
Classification: Pathogenic. Last evaluated: 2023-10-06. Review status: criteria provided, single submitter. Criteria: Invitae Variant Classification Sherloc (09022015). Collection method: clinical testing. Allele origin: germline.
Comment: This sequence change creates a premature translational stop signal (p.Glu44*) in the HBB gene. It is expected to result in an absent or disrupted protein product. Loss-of-function variants in HBB are known to be pathogenic (PMID: 23637309). This variant is present in population databases (rs33922842, gnomAD 0.006%). This premature translational stop signal has been observed in individual(s) with beta-thalassemia (PMID: 3403716, 25089872). This variant is also known as p.Glu43*. ClinVar contains an entry for this variant (Variation ID: 15406). For these reasons, this variant has been classified as Pathogenic.

GeneDx
Classification: Pathogenic. Last evaluated: 2022-02-04. Review status: criteria provided, single submitter. Criteria: GeneDx Variant Classification Process June 2021. Collection method: clinical testing. Allele origin: germline. Affected: yes.
Comment: Nonsense variant predicted to result in protein truncation or nonsense mediated decay in a gene for which loss-of-function is a known mechanism of disease; Not observed at significant frequency in large population cohorts (gnomAD); This variant is associated with the following publications: (PMID: 30275481, 31690135, 3403716, 17008283)

Women's Health and Genetics/Laboratory Corporation of America, LabCorp
Classification: Pathogenic for Hemoglobinopathy. Last evaluated: 2017-11-14. Review status: criteria provided, single submitter. Criteria: LabCorp Variant Classification Summary - May 2015. Collection method: clinical testing. Allele origin: germline.
Comment: Variant summary: The HBB c.130G>T (p.Glu44X) variant results in a premature termination codon, predicted to cause a truncated or absent HBB protein due to nonsense mediated decay, which are commonly known mechanisms for disease. Truncations downstream of this position have been classified as pathogenic by our laboratory (e.g. c.176delC, c.217dupA, c.287dupA, etc.). This variant was found in 1/246166 control chromosomes at a frequency of 0.0000041 (gnomAD), which does not exceed the estimated maximal expected allele frequency of a pathogenic HBB variant (0.0111803). This variant has been found three Chinese BTHAL patients in compound heterozygous state with other pathogenic variants (Atwen_1988, Tan_2006). Two of them were BTHAL major patients who carried this variant in compound heterozygous state with c.127_130delCTTT. In addition, several BTHAL minor individuals who carry this variant in heterozygous state have been reported (Lin_2014, He_2017). The carrier frequency in a large Chinese population was 0.03% (He_2017). A functional analysis showed that the mutant mRNA in vivo must be extremely low (Atwen_1988). Multiple clinical diagnostic laboratories/reputable databases have classified this variant as pathogenic. Taken together, this variant is classified as pathogenic.

Baylor Genetics
Classification: Pathogenic for Hb SS disease. Review status: criteria provided, single submitter. Criteria: ACMG Guidelines, 2015. Collection method: clinical testing. Allele origin: germline.

Juno Genomics, Hangzhou Juno Genomics, Inc
Classification: Pathogenic for Malaria, susceptibility to; Hereditary persistence of fetal hemoglobin; Erythrocytosis, familial, 6; Heinz body anemia; METHEMOGLOBINEMIA, BETA TYPE; Hb SS disease; Dominant beta-thalassemia; Beta-thalassemia HBB/LCRB. Review status: criteria provided, single submitter. Criteria: ACMG Guidelines, 2015. Collection method: clinical testing. Allele origin: germline.
Comment: Absent from controls (or at extremely low frequency if recessive) in Genome Aggregation Database.;Null variant in a gene where loss of function (LOF) is a known mechanism of disease.;For recessive disorders, detected in trans with a pathogenic variant.

The ITHANET community portal, The Cyprus Institute of Neurology and Genetics
Classification: Pathogenic for beta Thalassemia. Last evaluated: 2019-11-25. Review status: no assertion criteria provided. Collection method: curation. Allele origin: germline. Not counted in ClinVar's aggregate classification.

Counsyl
Classification: Pathogenic for Beta-thalassemia HBB/LCRB. Last evaluated: 2017-02-24. Review status: no assertion criteria provided. Collection method: clinical testing. Allele origin: unknown. Not counted in ClinVar's aggregate classification.

OMIM
Classification: Pathogenic for BETA-ZERO-THALASSEMIA. Last evaluated: 1988-08-01. Review status: no assertion criteria provided. Collection method: literature only. Allele origin: germline. Not counted in ClinVar's aggregate classification.

Literature cited by the submitters: PubMed 30275481 (cited by Quest Diagnostics Nichols Institute San Juan Capistrano); PubMed 25089872 (cited by 3 submitters); PubMed 23383304 (cited by Quest Diagnostics Nichols Institute San Juan Capistrano and Women's Health and Genetics/Laboratory Corporation of America, LabCorp); PubMed 19460936 (cited by Quest Diagnostics Nichols Institute San Juan Capistrano and Women's Health and Genetics/Laboratory Corporation of America, LabCorp); PubMed 17008283 (cited by 4 submitters); PubMed 28674233 (cited by Quest Diagnostics Nichols Institute San Juan Capistrano); PubMed 31690135 (cited by Quest Diagnostics Nichols Institute San Juan Capistrano); PubMed 29669226 (cited by Quest Diagnostics Nichols Institute San Juan Capistrano); PubMed 31286593 (cited by Quest Diagnostics Nichols Institute San Juan Capistrano); PubMed 37270807 (cited by Quest Diagnostics Nichols Institute San Juan Capistrano); PubMed 3403716 (cited by 6 submitters); PubMed 25000193 (cited by Quest Diagnostics Nichols Institute San Juan Capistrano); PubMed 23637309 (cited by Labcorp Genetics (formerly Invitae), Labcorp).

NM_000518.5(HBB):c.130G>T (p.Glu44Ter)

Genes: HBB (hemoglobin subunit beta; minus strand), LOC106099062 (HBB recombination region; plus strand), LOC107133510 (origin of replication at HBB; plus strand). Cytogenetic location: 11p15.4.
Variant type: single nucleotide variant.
Coding change: c.130G>T on transcript NM_000518.5 (MANE Select); coding-DNA position 130, G replaced by T.
Protein change: p.Glu44Ter; replaces glutamic acid 44 with a stop codon.
Molecular consequence: nonsense.
Genome position (GRCh38, 1-based): chr11:5,226,762, C>A on the plus strand (G>T on the coding strand, the complement: HBB is on the minus strand). VCF-style: chr11-5226762-C-A. GRCh37 (hg19) VCF-style: chr11-5247992-C-A.
Other names: E43*; CD 43 (GAG>TAG); short protein forms E44*.
Identifiers: ClinVar variation 15406 (VCV000015406.45), dbSNP rs33922842, ClinGen allele CA125267.